The following is an entry in ClinVar:

NM_015046.7(SETX):c.7324C>T (p.Gln2442Ter)

Gene: SETX (senataxin; minus strand). Cytogenetic location: 9q34.13.
Variant type: single nucleotide variant.
Coding change: c.7324C>T on transcript NM_015046.7 (MANE Select); coding-DNA position 7324, C replaced by T.
Protein change: p.Gln2442Ter; replaces glutamine 2442 with a stop codon.
Molecular consequence: nonsense.
Genome position (GRCh38, 1-based): chr9:132,264,949, G>A on the plus strand (C>T on the coding strand, the complement: SETX is on the minus strand). VCF-style: chr9-132264949-G-A. GRCh37 (hg19) VCF-style: chr9-135140336-G-A.
Other names: c.7324C>T, p.Gln2442Ter (NM_001351527.2); c.7411C>T, p.Gln2471Ter (NM_001351528.2); short protein forms Q2442*, Q2471*.
Identifiers: ClinVar variation 3358882 (VCV003358882.3).
Genomic context (GRCh38, chr9:132,264,949, plus strand): 5'-TCTTCACTGCATCATGTCTATAGTTTTTGTCACAGGTCTTAATAATGGCACCACGCTTCT[G>A]AGCATCCTGAATCAGCTGATTCCAATGCTGGTTTTCCTTGAAACAATGAGAAGGGAGAAA-3'

ClinVar aggregate classification (germline): Uncertain significance (1 of 4 stars; one submission).

Conditions:
Spinocerebellar ataxia, autosomal recessive, with axonal neuropathy 2 (SCAN2). Also called: ATAXIA-OCULOMOTOR APRAXIA 2; Ataxia with Oculomotor Apraxia; Ataxia with Oculomotor Apraxia Type 2; Ataxia-ocular apraxia-2. Identifiers: Orphanet 64753, MedGen C1853761, MONDO:0018996, OMIM 606002.

gnomAD v4.1: 1 of 1,614,048 alleles (0.000062%); highest among the groups gnomAD compares: Non-Finnish European, 0.000085%; no homozygotes.

Submission:

Clinical Omics and Informatics (COIN) Unit, Neuroscience Institute, University Of Cape Town
Classification: Uncertain significance for Spinocerebellar ataxia, autosomal recessive, with axonal neuropathy 2. Last evaluated: 2025-02-10. Review status: criteria provided, single submitter. Criteria: ACMG Guidelines, 2015. Collection method: research. Allele origin: germline. Inheritance: Autosomal recessive inheritance. Affected: yes. Observed: 1 variant allele, 1 compound heterozygote.
Comment: The highest population allele frequency in gnomAD v4.0 is 0.0000008474 (0.00008%; 1/1180028 alleles in the European/ non-Finnish population) and there are no homozygous observations. PM3_Supporting: 0.25 points awarded for compound heterozygous observation with SETX: c.369_372del (p.Leu123PhefsTer?) in proband under assessment who has a phenotype consistent with disorder (not confirmed in trans). PVS1_Moderate: nonsense variant not predicted to undergo NMD, role of region in protein function is unknown, LOF variants in this exon are not frequent in the general population and exon is present in biologically-relevant transcripts. Variant removes <10% of protein. LOF is a known mechanism of disease (PMID:14770181). PP3 not evaluated as PVS1 applied.

Literature cited by the submitters: PubMed 14770181.